The following is an entry in ClinVar:

ClinVar aggregate classification (germline): Pathogenic (1 of 4 stars; one submission).

Conditions:
Landau-Kleffner syndrome (FESD). Also called: EPILEPSY, FOCAL, WITH SPEECH DISORDER AND WITH OR WITHOUT MENTAL RETARDATION; APHASIA, ACQUIRED, WITH EPILEPSY. Identifiers: Orphanet 1945, Orphanet 725, Orphanet 98818, MedGen C0282512, MONDO:0009509, OMIM 245570.

Submission:

Labcorp Genetics (formerly Invitae), Labcorp
Classification: Pathogenic for RESDAD. Last evaluated: 2019-11-07. Review status: criteria provided, single submitter. Criteria: Invitae Variant Classification Sherloc (09022015). Collection method: clinical testing. Allele origin: germline.
Comment: This sequence change creates a premature translational stop signal (p.Glu517*) in the GRIN2A gene. It is expected to result in an absent or disrupted protein product. This variant is not present in population databases (ExAC no frequency). This variant has not been reported in the literature in individuals with GRIN2A-related conditions. Loss-of-function variants in GRIN2A are known to be pathogenic (PMID: 23933819, 23933820). For these reasons, this variant has been classified as Pathogenic.

NM_001134407.3(GRIN2A):c.1549G>T (p.Glu517Ter)

Gene: GRIN2A (glutamate ionotropic receptor NMDA type subunit 2A; minus strand). Cytogenetic location: 16p13.2.
Variant type: single nucleotide variant.
Coding change: c.1549G>T on transcript NM_001134407.3 (MANE Select); coding-DNA position 1549, G replaced by T.
Protein change: p.Glu517Ter; replaces glutamic acid 517 with a stop codon.
Molecular consequence: nonsense.
Genome position (GRCh38, 1-based): chr16:9,840,749, C>A on the plus strand (G>T on the coding strand, the complement: GRIN2A is on the minus strand). VCF-style: chr16-9840749-C-A. GRCh37 (hg19) VCF-style: chr16-9934606-C-A.
Other names: c.1549G>T, p.Glu517Ter (NM_000833.5, NM_001134408.2); short protein forms E517*.
Identifiers: ClinVar variation 961619 (VCV000961619.1), dbSNP rs1555494686, ClinGen allele CA394800391.